The following is an entry in ClinVar:

NM_031407.7(HUWE1):c.6484C>T (p.Arg2162Trp)

Gene: HUWE1 (HECT, UBA and WWE domain containing E3 ubiquitin protein ligase 1; minus strand). Cytogenetic location: Xp11.22.
Variant type: single nucleotide variant.
Coding change: c.6484C>T on transcript NM_031407.7 (MANE Select); coding-DNA position 6484, C replaced by T.
Protein change: p.Arg2162Trp; replaces arginine 2162 with tryptophan.
Molecular consequence: missense variant.
Genome position (GRCh38, 1-based): chrX:53,569,656, G>A on the plus strand (C>T on the coding strand, the complement: HUWE1 is on the minus strand). VCF-style: chrX-53569656-G-A. GRCh37 (hg19) VCF-style: chrX-53596616-G-A.
Other names: short protein forms R2162W.
Identifiers: ClinVar variation 2576676 (VCV002576676.1), dbSNP rs2524480529, ClinGen allele CA413164699.

ClinVar aggregate classification (germline): Uncertain significance (1 of 4 stars; one submission).

Submission:

GeneDx
Classification: Uncertain significance. Last evaluated: 2023-02-15. Review status: criteria provided, single submitter. Criteria: GeneDx Variant Classification Process June 2021. Collection method: clinical testing. Allele origin: germline. Affected: yes.
Comment: Not observed at significant frequency in large population cohorts (gnomAD); In silico analysis supports that this missense variant has a deleterious effect on protein structure/function; Has not been previously published as pathogenic or benign to our knowledge